The following is an entry in ClinVar:

NM_000350.3(ABCA4):c.1822T>C (p.Phe608Leu)

Gene: ABCA4 (ATP binding cassette subfamily A member 4; minus strand). Cytogenetic location: 1p22.1.
Variant type: single nucleotide variant.
Coding change: c.1822T>C on transcript NM_000350.3 (MANE Select); coding-DNA position 1822, T replaced by C.
Protein change: p.Phe608Leu; replaces phenylalanine 608 with leucine.
Molecular consequence: missense variant.
Genome position (GRCh38, 1-based): chr1:94,062,692, A>G on the plus strand (T>C on the coding strand, the complement: ABCA4 is on the minus strand). VCF-style: chr1-94062692-A-G. GRCh37 (hg19) VCF-style: chr1-94528248-A-G.
Other names: c.1822T>C, p.Phe608Leu (NM_001425324.1); short protein forms F608L.
Identifiers: ClinVar variation 99089 (VCV000099089.9), dbSNP rs61752398, ClinGen allele CA226938.
Genomic context (GRCh38, chr1:94,062,692, plus strand): 5'-CCTCCGCCTGCACCTGGCTCCTTGTGATCCCCTGTTCAACCATGTCCTGCAGATAGGCAA[A>G]CCCGCCCCAGATGTACCGGAAATCTTCCACGGGATCAGCTCTGGGACCAGAATCCCAATA-3'
Protein context (NP_000341.2, residues 598-618): VEDFRYIWGG[Phe608Leu]AYLQDMVEQG

ClinVar aggregate classification (germline): Likely pathogenic. Review status: criteria provided, multiple submitters, no conflicts (2 of 4 stars). 3 submissions from 3 submitters: Likely pathogenic (2). 1 of the submissions does not count toward it. Last evaluated 2021-02-03.

Conditions:
ABCA4-related disorder. Also called: ABCA4-related disorders; ABCA4-related condition. Identifiers: MedGen CN239167.

Submissions (3):

Labcorp Genetics (formerly Invitae), Labcorp
Classification: Likely pathogenic. Last evaluated: 2021-02-03. Review status: criteria provided, single submitter. Criteria: Invitae Variant Classification Sherloc (09022015). Collection method: clinical testing. Allele origin: germline.
Comment: In summary, the currently available evidence indicates that the variant is pathogenic, but additional data are needed to prove that conclusively. Therefore, this variant has been classified as Likely Pathogenic. This variant disrupts the p.Phe608 amino acid residue in ABCA4. Other variant(s) that disrupt this residue have been determined to be pathogenic (PMID: 9973280, 29925512, 28224992, 28559085). This suggests that this residue is clinically significant, and that variants that disrupt this residue are likely to be disease-causing. Advanced modeling of protein sequence and biophysical properties (such as structural, functional, and spatial information, amino acid conservation, physicochemical variation, residue mobility, and thermodynamic stability) performed at Invitae indicates that this missense variant is expected to disrupt ABCA4 protein function. This variant has been observed in individual(s) with Stargardt disease (PMID: 22229821). ClinVar contains an entry for this variant (Variation ID: 99089). This variant is not present in population databases (ExAC no frequency). This sequence change replaces phenylalanine with leucine at codon 608 of the ABCA4 protein (p.Phe608Leu). The phenylalanine residue is highly conserved and there is a small physicochemical difference between phenylalanine and leucine.

Blueprint Genetics
Classification: Likely pathogenic for ABCA4-related disorders. Last evaluated: 2020-08-25. Review status: criteria provided, single submitter. Criteria: ACMG Guidelines, 2015. Collection method: clinical testing. Allele origin: germline. Affected: yes. Observed: 1 variant allele.

Retina International
No classification provided. Review status: no classification provided. Collection method: not provided. Allele origin: not provided. Not counted in ClinVar's aggregate classification.

Literature cited by the submitters: PubMed 9973280 (cited by Labcorp Genetics (formerly Invitae), Labcorp); PubMed 29925512 (cited by Labcorp Genetics (formerly Invitae), Labcorp); PubMed 28224992 (cited by Labcorp Genetics (formerly Invitae), Labcorp); PubMed 28559085 (cited by Labcorp Genetics (formerly Invitae), Labcorp); PubMed 22229821 (cited by Labcorp Genetics (formerly Invitae), Labcorp).